The following is an entry in ClinVar:

NM_001394998.1(TANC2):c.5044G>A (p.Val1682Ile)

Gene: TANC2 (tetratricopeptide repeat, ankyrin repeat and coiled-coil containing 2; plus strand). Cytogenetic location: 17q23.3.
Variant type: single nucleotide variant.
Coding change: c.5044G>A on transcript NM_001394998.1 (MANE Select); coding-DNA position 5044, G replaced by A.
Protein change: p.Val1682Ile; replaces valine 1682 with isoleucine.
Molecular consequence: missense variant.
Genome position (GRCh38, 1-based): chr17:63,420,774, G>A. VCF-style: chr17-63420774-G-A. GRCh37 (hg19) VCF-style: chr17-61498135-G-A.
Other names: c.4822G>A, p.Val1608Ile (NM_001411076.1); c.4792G>A, p.Val1598Ile (NM_025185.4); short protein forms V1598I, V1608I, V1682I.
Identifiers: ClinVar variation 3776641 (VCV003776641.1).

ClinVar aggregate classification (germline): Uncertain significance (1 of 4 stars; one submission).

gnomAD v4.1: 1 of 1,614,014 alleles (0.000062%); highest among the groups gnomAD compares: Non-Finnish European, 0.000085%; no homozygotes.

Submission:

GeneDx
Classification: Uncertain significance. Last evaluated: 2024-10-04. Review status: criteria provided, single submitter. Criteria: GeneDx Variant Classification Process June 2021. Collection method: clinical testing. Allele origin: germline. Affected: yes.
Comment: Not observed at significant frequency in large population cohorts (gnomAD); In silico analysis indicates that this missense variant does not alter protein structure/function; Has not been previously published as pathogenic or benign to our knowledge